The following is an entry in ClinVar:

ClinVar aggregate classification (germline): Pathogenic. Review status: criteria provided, multiple submitters, no conflicts (2 of 4 stars). 2 submissions from 2 submitters: Pathogenic (2). Last evaluated 2024-03-23.

Conditions:
Transcobalamin II deficiency (TCN2D). Also called: TC II DEFICIENCY; TCN2 DEFICIENCY; Transcolabamin II deficiency. Identifiers: Orphanet 859, MedGen C0342701, MONDO:0010149, OMIM 275350.

Allele frequency attached by ClinVar (database versions not stated): gnomAD 0.00001; gnomAD exomes 0.00001; TOPMed 0.00001.

Submissions (2):

Labcorp Genetics (formerly Invitae), Labcorp
Classification: Pathogenic for Transcobalamin II deficiency. Last evaluated: 2024-03-23. Review status: criteria provided, single submitter. Criteria: Invitae Variant Classification Sherloc (09022015). Collection method: clinical testing. Allele origin: germline.
Comment: This sequence change creates a premature translational stop signal (p.Gln291*) in the TCN2 gene. It is expected to result in an absent or disrupted protein product. Loss-of-function variants in TCN2 are known to be pathogenic (PMID: 7980584, 20352340). This variant is present in population databases (no rsID available, gnomAD 0.006%). This variant has not been reported in the literature in individuals affected with TCN2-related conditions. ClinVar contains an entry for this variant (Variation ID: 489213). Algorithms developed to predict the effect of sequence changes on RNA splicing suggest that this variant may disrupt the consensus splice site. For these reasons, this variant has been classified as Pathogenic.

GeneDx
Classification: Pathogenic. Last evaluated: 2017-12-08. Review status: criteria provided, single submitter. Criteria: GeneDx Variant Classification (06012015). Collection method: clinical testing. Allele origin: germline. Affected: yes.
Comment: The Q291X variant in the TCN2 gene has not been reported previously as a pathogenic variant nor as a benign variant, to our knowledge. This variant is predicted to cause loss of normal protein function either through protein truncation or nonsense-mediated mRNA decay. The Q291X variant is not observed at a significant frequency in large population cohorts (Lek et al., 2016). We interpret Q291X as a pathogenic variant.

Literature cited by the submitters: PubMed 7980584 (cited by Labcorp Genetics (formerly Invitae), Labcorp); PubMed 20352340 (cited by Labcorp Genetics (formerly Invitae), Labcorp).

NM_000355.4(TCN2):c.871C>T (p.Gln291Ter)

Gene: TCN2 (transcobalamin 2; plus strand). Cytogenetic location: 22q12.2.
Variant type: single nucleotide variant.
Coding change: c.871C>T on transcript NM_000355.4 (MANE Select); coding-DNA position 871, C replaced by T.
Protein change: p.Gln291Ter; replaces glutamine 291 with a stop codon.
Molecular consequence: nonsense.
Genome position (GRCh38, 1-based): chr22:30,615,718, C>T. VCF-style: chr22-30615718-C-T. GRCh37 (hg19) VCF-style: chr22-31011705-C-T.
Other names: c.790C>T, p.Gln264Ter (NM_001184726.2); short protein forms Q291*, Q264*.
Identifiers: ClinVar variation 489213 (VCV000489213.4), dbSNP rs1461973241, ClinGen allele CA411213510.